The following is an entry in ClinVar:

NM_001267550.2(TTN):c.54079A>G (p.Lys18027Glu)

Genes: TTN (titin; minus strand), TTN-AS1 (TTN antisense RNA 1; plus strand). Cytogenetic location: 2q31.2.
Variant type: single nucleotide variant.
Coding change: c.54079A>G on transcript NM_001267550.2 (MANE Select); coding-DNA position 54079, A replaced by G.
Protein change: p.Lys18027Glu; replaces lysine 18027 with glutamic acid.
Molecular consequence: missense variant. On other transcripts: non-coding transcript variant (1).
Genome position (GRCh38, 1-based): chr2:178,605,098, T>C on the plus strand (A>G on the coding strand, the complement: TTN is on the minus strand). VCF-style: chr2-178605098-T-C. GRCh37 (hg19) VCF-style: chr2-179469825-T-C.
Other names: c.49156A>G, p.Lys16386Glu (NM_001256850.1); c.26884A>G, p.Lys8962Glu (NM_003319.4); c.46375A>G, p.Lys15459Glu (NM_133378.4); c.27259A>G, p.Lys9087Glu (NM_133432.3); c.27460A>G, p.Lys9154Glu (NM_133437.4); short protein forms K16386E, K15459E, K9154E, K18027E, K8962E, K9087E.
Identifiers: ClinVar variation 3571838 (VCV003571838.1).

ClinVar aggregate classification (germline): Uncertain significance (1 of 4 stars; one submission).

gnomAD v4.1: 1 of 1,612,790 alleles (0.000062%); highest among the groups gnomAD compares: Non-Finnish European, 0.000085%; no homozygotes.

Submission:

Athena Diagnostics
Classification: Uncertain significance. Last evaluated: 2024-07-11. Review status: criteria provided, single submitter. Criteria: Athena Diagnostics Criteria. Collection method: clinical testing. Allele origin: unknown.
Comment: Available data are insufficient to determine the clinical significance of the variant at this time. The frequency of this variant in the general population is uninformative in assessment of its pathogenicity. Polyphen and MutationTaster yielded discordant predictions regarding whether this amino acid change is damaging to the protein.